The following is an entry in ClinVar:

ClinVar aggregate classification (germline): Uncertain significance (1 of 4 stars; one submission).

gnomAD v4.1: 1 of 1,614,262 alleles (0.000062%); highest among the groups gnomAD compares: South Asian, 0.0011%; no homozygotes.

Submission:

GeneDx
Classification: Uncertain significance. Last evaluated: 2026-03-11. Review status: criteria provided, single submitter. Criteria: GeneDx Variant Classification Process June 2021. Collection method: clinical testing. Allele origin: germline.
Comment: Not observed at significant frequency in large population cohorts (gnomAD); In silico analysis suggests that this missense variant does not alter protein structure/function; Has not been previously published as pathogenic or benign to our knowledge

NM_001378418.1(TCF20):c.2906C>T (p.Ala969Val)

Gene: TCF20 (transcription factor 20; minus strand). Cytogenetic location: 22q13.2.
Variant type: single nucleotide variant.
Coding change: c.2906C>T on transcript NM_001378418.1 (MANE Select); coding-DNA position 2906, C replaced by T.
Protein change: p.Ala969Val; replaces alanine 969 with valine.
Molecular consequence: missense variant.
Genome position (GRCh38, 1-based): chr22:42,212,400, G>A on the plus strand (C>T on the coding strand, the complement: TCF20 is on the minus strand). VCF-style: chr22-42212400-G-A. GRCh37 (hg19) VCF-style: chr22-42608406-G-A.
Other names: c.2906C>T, p.Ala969Val (NM_005650.4, NM_181492.3); short protein forms A969V.
Identifiers: ClinVar variation 5008889 (VCV005008889.1).